The following is an entry in ClinVar:

NM_002617.4(PEX10):c.601-3_601-2del

Gene: PEX10 (peroxisomal biogenesis factor 10; minus strand). Cytogenetic location: 1p36.32.
Variant type: Deletion.
Coding change: c.601-3_601-2del on transcript NM_002617.4 (MANE Select); 3 bases into the intron before coding-DNA position 601 through the canonical splice acceptor site of the intron before coding-DNA position 601, 2 bases deleted (CA; older notation c.601-3_601-2delCA).
Molecular consequence: splice acceptor variant. On other transcripts: frameshift variant (3).
Genome position (GRCh38, 1-based): chr1:2,406,897-2,406,898, TG deleted on the plus strand (CA on the coding strand, the reverse complement: PEX10 is on the minus strand); deleting any 2 consecutive bases within chr1:2,406,897-2,406,899 gives the same sequence; the c. name uses the placement nearest the transcript's 3' end. VCF-style (leftmost placement, unchanged base first): chr1-2406896-CTG-C. GRCh37 (hg19) VCF-style: chr1-2338335-CTG-C.
Other names: c.655_656del, p.Gln219fs (NM_001374425.1); c.223_224del, p.Gln75fs (NM_001374426.1); c.658_659del, p.Gln220fs (NM_153818.2); c.169-3_169-2del (NM_001374427.1); c.658_659delCA (NM_153818.1); short protein forms Q75fs, Q219fs, Q220fs.
Identifiers: ClinVar variation 1454750 (VCV001454750.7), dbSNP rs1643027426, ClinGen allele CA1149570999.

ClinVar aggregate classification (germline): Pathogenic/Likely pathogenic. Review status: criteria provided, multiple submitters, no conflicts (2 of 4 stars). 2 submissions from 2 submitters: Pathogenic (1); Likely pathogenic (1). Last evaluated 2024-12-12.

Conditions:
Zellweger spectrum disorders (ZS). Also called: Zellweger Spectrum Disorder; Zellweger Spectrum; Zellweger Spectrum Disorder (ZSD); Zellweger syndrome. Identifiers: Orphanet 912, MedGen C0043459, MONDO:0019609.
Peroxisome biogenesis disorder, complementation group 7 (CG7). Also called: Peroxisome biogenesis disorder, complementation group B. Identifiers: MedGen C1864399.

Submissions (2):

Natera, Inc.
Classification: Likely pathogenic for Zellweger syndrome. Last evaluated: 2024-12-12. Review status: criteria provided, single submitter. Criteria: Natera Variant Classification Schema (03/2026). Collection method: clinical testing. Allele origin: germline.
Comment: The c.658_659delCA variant in PEX10 is a frameshift variant predicted to shift the reading frame beginning at codon 220 and leads to a stop codon 16 codons downstream. This variant is expected to result in nonsense mediated decay, truncation, or a dysfunctional protein product. This variant is rare in the general population with a frequency below the threshold expected for the associated phenotype(s). Given the available evidence, this variant is classified as Likely Pathogenic.

Labcorp Genetics (formerly Invitae), Labcorp
Classification: Pathogenic for Peroxisome biogenesis disorder, complementation group 7. Last evaluated: 2023-06-29. Review status: criteria provided, single submitter. Criteria: Invitae Variant Classification Sherloc (09022015). Collection method: clinical testing. Allele origin: germline.
Comment: This variant is not present in population databases (gnomAD no frequency). This sequence change creates a premature translational stop signal (p.Gln220Alafs*16) in the PEX10 gene. It is expected to result in an absent or disrupted protein product. Loss-of-function variants in PEX10 are known to be pathogenic (PMID: 9683594, 10862081, 21031596). This variant has not been reported in the literature in individuals affected with PEX10-related conditions. For these reasons, this variant has been classified as Pathogenic. Algorithms developed to predict the effect of sequence changes on RNA splicing suggest that this variant may disrupt the consensus splice site. ClinVar contains an entry for this variant (Variation ID: 1454750).

Literature cited by the submitters: PubMed 9683594 (cited by Labcorp Genetics (formerly Invitae), Labcorp); PubMed 10862081 (cited by Labcorp Genetics (formerly Invitae), Labcorp); PubMed 21031596 (cited by Labcorp Genetics (formerly Invitae), Labcorp).